The following is an entry in ClinVar:

NM_006206.6(PDGFRA):c.931+4C>T

Gene: PDGFRA (platelet derived growth factor receptor alpha; plus strand). Cytogenetic location: 4q12.
Variant type: single nucleotide variant.
Coding change: c.931+4C>T on transcript NM_006206.6 (MANE Select); 4 bases into the intron after coding-DNA position 931, C replaced by T.
Molecular consequence: intron variant.
Genome position (GRCh38, 1-based): chr4:54,267,464, C>T. VCF-style: chr4-54267464-C-T. GRCh37 (hg19) VCF-style: chr4-55133631-C-T.
Other names: c.1006+4C>T (NM_001347828.2); c.931+4C>T (NM_001347827.2, NM_001347829.2); c.970+4C>T (NM_001347830.2).
Identifiers: ClinVar variation 972040 (VCV000972040.8), dbSNP rs1259174139, ClinGen allele CA796289497.

ClinVar aggregate classification (germline): Uncertain significance (1 of 4 stars; one submission).

Conditions:
Gastrointestinal stromal tumor. Also called: Gastrointestinal stromal tumor, somatic; Gastrointestinal stroma tumor. Identifiers: Orphanet 44890, MedGen C0238198, MeSH D046152, MONDO:0011719, OMIM 606764, HP:0100723.

Allele frequency attached by ClinVar (database versions not stated): gnomAD exomes below 0.00001; TOPMed below 0.00001.
gnomAD v4.1: 1 of 1,614,032 alleles (0.000062%); highest among the groups gnomAD compares: Non-Finnish European, 0.000085%; no homozygotes.

Submission:

Labcorp Genetics (formerly Invitae), Labcorp
Classification: Uncertain significance for Gastrointestinal stromal tumor. Last evaluated: 2023-12-07. Review status: criteria provided, single submitter. Criteria: Invitae Variant Classification Sherloc (09022015). Collection method: clinical testing. Allele origin: germline.
Comment: This sequence change falls in intron 6 of the PDGFRA gene. It does not directly change the encoded amino acid sequence of the PDGFRA protein. It affects a nucleotide within the consensus splice site. This variant is not present in population databases (gnomAD no frequency). This variant has not been reported in the literature in individuals affected with PDGFRA-related conditions. ClinVar contains an entry for this variant (Variation ID: 972040). Variants that disrupt the consensus splice site are a relatively common cause of aberrant splicing (PMID: 17576681, 9536098). Algorithms developed to predict the effect of sequence changes on RNA splicing suggest that this variant is not likely to affect RNA splicing. In summary, the available evidence is currently insufficient to determine the role of this variant in disease. Therefore, it has been classified as a Variant of Uncertain Significance.

Literature cited by the submitters: PubMed 17576681; PubMed 9536098.